The following is an entry in ClinVar:

NM_001378452.1(ITPR1):c.4290T>G (p.Ile1430Met)

Gene: ITPR1 (inositol 1,4,5-trisphosphate receptor type 1; plus strand). Cytogenetic location: 3p26.1.
Variant type: single nucleotide variant.
Coding change: c.4290T>G on transcript NM_001378452.1 (MANE Select); coding-DNA position 4290, T replaced by G.
Protein change: p.Ile1430Met; replaces isoleucine 1430 with methionine.
Molecular consequence: missense variant.
Genome position (GRCh38, 1-based): chr3:4,697,155, T>G. VCF-style: chr3-4697155-T-G. GRCh37 (hg19) VCF-style: chr3-4738839-T-G.
Other names: c.4263T>G, p.Ile1421Met (NM_001099952.4); c.4245T>G, p.Ile1415Met (NM_001168272.2); c.4218T>G, p.Ile1406Met (NM_002222.7); short protein forms I1415M, I1406M, I1430M, I1421M.
Identifiers: ClinVar variation 4749586 (VCV004749586.1).

ClinVar aggregate classification (germline): Uncertain significance (1 of 4 stars; one submission).

gnomAD v4.1: 10 of 1,610,428 alleles (0.00062%); highest among the groups gnomAD compares: African/African-American, 0.0013%; no homozygotes.

Submission:

Labcorp Genetics (formerly Invitae), Labcorp
Classification: Uncertain significance. Last evaluated: 2025-12-14. Review status: criteria provided, single submitter. Criteria: Invitae Variant Classification Sherloc (09022015). Collection method: clinical testing. Allele origin: germline.
Comment: This sequence change replaces isoleucine, which is neutral and non-polar, with methionine, which is neutral and non-polar, at codon 1406 of the ITPR1 protein (p.Ile1406Met). This variant is present in population databases (rs370995278, gnomAD 0.002%). This variant has not been reported in the literature in individuals affected with ITPR1-related conditions. Invitae Evidence Modeling of protein sequence and biophysical properties (such as structural, functional, and spatial information, amino acid conservation, physicochemical variation, residue mobility, and thermodynamic stability) indicates that this missense variant is not expected to disrupt ITPR1 protein function with a negative predictive value of 95%. In summary, the available evidence is currently insufficient to determine the role of this variant in disease. Therefore, it has been classified as a Variant of Uncertain Significance.